The following is an entry in ClinVar:

NM_001110556.2(FLNA):c.6002G>A (p.Arg2001Gln)

Gene: FLNA (filamin A; minus strand). Cytogenetic location: Xq28.
Variant type: single nucleotide variant.
Coding change: c.6002G>A on transcript NM_001110556.2 (MANE Select); coding-DNA position 6002, G replaced by A.
Protein change: p.Arg2001Gln; replaces arginine 2001 with glutamine.
Molecular consequence: missense variant.
Genome position (GRCh38, 1-based): chrX:154,353,316, C>T on the plus strand (G>A on the coding strand, the complement: FLNA is on the minus strand). VCF-style: chrX-154353316-C-T. GRCh37 (hg19) VCF-style: chrX-153581684-C-T.
Other names: c.5978G>A, p.Arg1993Gln (NM_001456.4); short protein forms R1993Q, R2001Q.
Identifiers: ClinVar variation 807861 (VCV000807861.56), dbSNP rs1483960506, ClinGen allele CA415197078.

ClinVar aggregate classification (germline): Conflicting classifications of pathogenicity. Review status: criteria provided, conflicting classifications (1 of 4 stars). 5 submissions from 5 submitters: Uncertain significance (3); Benign (1); Likely benign (1). Last evaluated 2026-04-16.

Conditions:
Heterotopia, periventricular, X-linked dominant (PVNH1). Also called: PERIVENTRICULAR NODULAR HETEROTOPIA 1; X-linked periventricular heterotopia; PERIVENTRICULAR NODULAR HETEROTOPIA 4; HETEROTOPIA, PERIVENTRICULAR, 1. Identifiers: Orphanet 2149, Orphanet 82004, MedGen C1848213, MONDO:0010233, OMIM 300049.
Melnick-Needles syndrome (MNS). Also called: Melnick-Needles Syndrome (FLNA-MNS); MELNICK-NEEDLES OSTEODYSPLASTY; OSTEODYSPLASTY OF MELNICK AND NEEDLES. Identifiers: Orphanet 2484, MedGen C0025237, MONDO:0010650, OMIM 309350.
Frontometaphyseal dysplasia (FMD1). Identifiers: Orphanet 1826, MedGen C0265293, MONDO:0015942.
Oto-palato-digital syndrome, type II (OPD2). Also called: FACIOPALATOOSSEOUS SYNDROME; Otopalatodigital Syndrome Type 2 (FLNA-OPD2); OPD II SYNDROME; Otopalatodigital Syndrome, Type II. Identifiers: Orphanet 669, Orphanet 90652, MedGen C1844696, MONDO:0010571, OMIM 304120.
Familial thoracic aortic aneurysm and aortic dissection (TAAD). Also called: Thoracic aortic aneurysms and dissections. Identifiers: Orphanet 91387, MedGen C4707243, MONDO:0019625.

Allele frequency attached by ClinVar (database versions not stated): gnomAD exomes 0.00002; TOPMed 0.00002.
gnomAD v4.1: 10 of 1,211,986 alleles (0.00083%); highest among the groups gnomAD compares: South Asian, 0.0035%; no homozygotes.

Submissions (5):

Ambry Genetics
Classification: Likely benign for Familial thoracic aortic aneurysm and aortic dissection. Last evaluated: 2026-04-16. Review status: criteria provided, single submitter. Criteria: Ambry Variant Classification Scheme 2023. Collection method: clinical testing. Allele origin: germline.

Labcorp Genetics (formerly Invitae), Labcorp
Classification: Benign for Oto-palato-digital syndrome, type II; Heterotopia, periventricular, X-linked dominant; Frontometaphyseal dysplasia; Melnick-Needles syndrome. Last evaluated: 2025-12-15. Review status: criteria provided, single submitter. Criteria: Invitae Variant Classification Sherloc (09022015). Collection method: clinical testing. Allele origin: germline.

GeneDx
Classification: Uncertain significance. Last evaluated: 2024-05-02. Review status: criteria provided, single submitter. Criteria: GeneDx Variant Classification Process June 2021. Collection method: clinical testing. Allele origin: germline. Affected: yes.
Comment: In silico analysis supports that this missense variant has a deleterious effect on protein structure/function; Identified as hemizygous in a fetus with tetralogy of fallot and shown to be maternally inherited (reported as c.6002 G>A; p.(R2001Q)) (PMID: 32410215, 36307859); This variant is associated with the following publications: (PMID: 32410215, 36307859)

ARUP Laboratories, Molecular Genetics and Genomics, ARUP Laboratories
Classification: Uncertain significance. Last evaluated: 2022-03-18. Review status: criteria provided, single submitter. Criteria: ARUP Molecular Germline Variant Investigation Process 2021. Collection method: clinical testing. Allele origin: germline.
Comment: The FLNA c.5978G>A; p.Arg1993Gln variant (rs1483960506), also known as c.6002G>A; p.Arg2001Gln in transcript NM_001110556, is reported in the literature in a hemizygous fetus affected with tetralogy of Fallot (Li 2020). This variant is found on only three chromosomes (3/181587 alleles) in the Genome Aggregation Database. The arginine at codon 1993 is highly conserved, but computational analyses predict that this variant is neutral (REVEL: 0.131). Due to limited information, the clinical significance of the p.Arg1993Gln variant is uncertain at this time. References: Li R et al. Prenatal exome sequencing in fetuses with congenital heart defects. Clin Genet. 2020 Sep;98(3):215-230. PMID: 32410215.

CeGaT Center for Human Genetics Tuebingen
Classification: Uncertain significance. Last evaluated: 2016-06-01. Review status: criteria provided, single submitter. Criteria: CeGaT Center For Human Genetics Tuebingen Variant Classification Criteria Version 2. Collection method: clinical testing. Allele origin: germline. Affected: yes. Observed: 1 variant allele.